The following is an entry in ClinVar:

ClinVar aggregate classification (germline): Likely pathogenic (1 of 4 stars; one submission).

Conditions:
Platelet-activating factor acetylhydrolase deficiency (PAFAD). Identifiers: MedGen C3280315, MONDO:0013663, OMIM 614278, HP:0040175.

Submission:

Women's Health and Genetics/Laboratory Corporation of America, LabCorp
Classification: Likely pathogenic for Platelet-activating factor acetylhydrolase deficiency. Last evaluated: 2024-10-08. Review status: criteria provided, single submitter. Criteria: LabCorp Variant Classification Summary - May 2015. Collection method: clinical testing. Allele origin: germline.
Comment: Variant summary: PLA2G7 c.664-2A>G is located in a canonical splice-site and is predicted to affect mRNA splicing resulting in a significantly altered protein due to either exon skipping, shortening, or inclusion of intronic material. Variants that disrupt the consensus splice site are a relatively common cause of aberrant splicing and loss of PLA2G7 function. Consensus agreement among computation tools predict no significant impact on normal splicing. However, these predictions have yet to be confirmed by functional studies. The variant allele was found at a frequency of 8e-06 in 250894 control chromosomes. To our knowledge, no occurrence of c.664-2A>G in individuals affected with Platelet-Activating Factor Acetylhydrolase Deficiency and no experimental evidence demonstrating its impact on protein function have been reported. No submitters have cited clinical-significance assessments for this variant to ClinVar. Based on the evidence outlined above, the variant was classified as likely pathogenic.

NM_005084.4(PLA2G7):c.664-2A>G

Gene: PLA2G7 (phospholipase A2 group VII; minus strand). Cytogenetic location: 6p12.3.
Variant type: single nucleotide variant.
Coding change: c.664-2A>G on transcript NM_005084.4 (MANE Select); the canonical splice acceptor site of the intron before coding-DNA position 664, A replaced by G.
Molecular consequence: splice acceptor variant.
Genome position (GRCh38, 1-based): chr6:46,710,660, T>C on the plus strand (A>G on the coding strand, the complement: PLA2G7 is on the minus strand). VCF-style: chr6-46710660-T-C. GRCh37 (hg19) VCF-style: chr6-46678397-T-C.
Other names: c.664-2A>G (NM_001168357.2).
Identifiers: ClinVar variation 3384855 (VCV003384855.1).